The following is an entry in ClinVar:

ClinVar aggregate classification (germline): Uncertain significance. Review status: criteria provided, multiple submitters, no conflicts (2 of 4 stars). 2 submissions from 2 submitters: Uncertain significance (2). Last evaluated 2024-08-15.

Conditions:
Inborn genetic diseases. Identifiers: MedGen C0950123, MeSH D030342.

Submissions (2):

Ambry Genetics
Classification: Uncertain significance for Inborn genetic diseases. Last evaluated: 2024-08-15. Review status: criteria provided, single submitter. Criteria: Ambry Variant Classification Scheme 2023. Collection method: clinical testing. Allele origin: germline.

Labcorp Genetics (formerly Invitae), Labcorp
Classification: Uncertain significance. Last evaluated: 2023-12-24. Review status: criteria provided, single submitter. Criteria: Invitae Variant Classification Sherloc (09022015). Collection method: clinical testing. Allele origin: germline.
Comment: This sequence change replaces glycine, which is neutral and non-polar, with serine, which is neutral and polar, at codon 246 of the MYCN protein (p.Gly246Ser). This variant is not present in population databases (gnomAD no frequency). This variant has not been reported in the literature in individuals affected with MYCN-related conditions. Advanced modeling of protein sequence and biophysical properties (such as structural, functional, and spatial information, amino acid conservation, physicochemical variation, residue mobility, and thermodynamic stability) performed at Invitae indicates that this missense variant is not expected to disrupt MYCN protein function with a negative predictive value of 80%. In summary, the available evidence is currently insufficient to determine the role of this variant in disease. Therefore, it has been classified as a Variant of Uncertain Significance.

NM_005378.6(MYCN):c.736G>A (p.Gly246Ser)

Gene: MYCN (MYCN proto-oncogene, bHLH transcription factor; plus strand). Cytogenetic location: 2p24.3.
Variant type: single nucleotide variant.
Coding change: c.736G>A on transcript NM_005378.6 (MANE Select); coding-DNA position 736, G replaced by A.
Protein change: p.Gly246Ser; replaces glycine 246 with serine.
Molecular consequence: missense variant. On other transcripts: 3 prime UTR variant (1), intron variant (1).
Genome position (GRCh38, 1-based): chr2:15,942,800, G>A. VCF-style: chr2-15942800-G-A. GRCh37 (hg19) VCF-style: chr2-16082922-G-A.
Other names: c.736G>A (NM_005378.4); c.*671G>A (NM_001293233.2); c.157+2057G>A (NM_001293231.2); c.736G>A, p.Gly246Ser (NM_001293228.2); short protein forms G246S.
Identifiers: ClinVar variation 2989783 (VCV002989783.4), dbSNP rs2527928623, ClinGen allele CA345931472.